The following is an entry in ClinVar:

ClinVar aggregate classification (germline): Likely benign. Review status: criteria provided, multiple submitters, no conflicts (2 of 4 stars). 2 submissions from 2 submitters: Likely benign (2). Last evaluated 2024-11-25.

Allele frequency attached by ClinVar (database versions not stated): TOPMed 0.00026; ExAC 0.00069.

Submissions (2):

Blueprint Genetics
Classification: Likely benign. Last evaluated: 2024-11-25. Review status: criteria provided, single submitter. Criteria: ACMG Guidelines, 2015. Collection method: clinical testing. Allele origin: germline.

CeGaT Center for Human Genetics Tuebingen
Classification: Likely benign. Last evaluated: 2023-02-01. Review status: criteria provided, single submitter. Criteria: CeGaT Center For Human Genetics Tuebingen Variant Classification Criteria Version 2. Collection method: clinical testing. Allele origin: germline. Affected: yes. Observed: 1 variant allele.
Comment: HYDIN: BP4, BP7

NM_001270974.2(HYDIN):c.11328G>A (p.Pro3776=)

Gene: HYDIN (HYDIN axonemal central pair apparatus protein; minus strand). Cytogenetic location: 16q22.2.
Variant type: single nucleotide variant.
Coding change: c.11328G>A on transcript NM_001270974.2 (MANE Select); coding-DNA position 11328, G replaced by A.
Protein change: p.Pro3776=; no amino-acid change (proline 3776 retained).
Molecular consequence: synonymous variant.
Genome position (GRCh38, 1-based): chr16:70,866,312, C>T on the plus strand (G>A on the coding strand, the complement: HYDIN is on the minus strand). VCF-style: chr16-70866312-C-T. GRCh37 (hg19) VCF-style: chr16-70900215-C-T.
Identifiers: ClinVar variation 2646710 (VCV002646710.25), dbSNP rs770324489, ClinGen allele CA8149029.